The following is an entry in ClinVar:

NM_006567.5(FARS2):c.68T>A (p.Ile23Asn)

Genes: FARS2 (phenylalanyl-tRNA synthetase 2, mitochondrial; plus strand), LOC126859565 (CDK7 strongly-dependent group 2 enhancer GRCh37_chr6:5368745-5369944; plus strand). Cytogenetic location: 6p25.1.
Variant type: single nucleotide variant.
Coding change: c.68T>A on transcript NM_006567.5 (MANE Select); coding-DNA position 68, T replaced by A.
Protein change: p.Ile23Asn; replaces isoleucine 23 with asparagine.
Molecular consequence: missense variant. On other transcripts: intron variant (2).
Genome position (GRCh38, 1-based): chr6:5,368,638, T>A. VCF-style: chr6-5368638-T-A. GRCh37 (hg19) VCF-style: chr6-5368871-T-A.
Other names: c.68T>A, p.Ile23Asn (NM_001318872.2, NM_001374875.1, NM_001374876.1 and 5 more transcripts); c.-340-27995T>A (NM_001375260.1); c.-84-35904T>A (NM_001375259.1); short protein forms I23N.
Identifiers: ClinVar variation 842034 (VCV000842034.8), dbSNP rs1348616908, ClinGen allele CA362734485.

ClinVar aggregate classification (germline): Uncertain significance (1 of 4 stars; one submission).

Conditions:
Combined oxidative phosphorylation defect type 14. Also called: Combined oxidative phosphorylation deficiency 14. Identifiers: Orphanet 319519, MedGen C4755312, MONDO:0013986, OMIM 614946.

Allele frequency attached by ClinVar (database versions not stated): gnomAD exomes below 0.00001.
gnomAD v4.1: 1 of 1,614,092 alleles (0.000062%); highest among the groups gnomAD compares: Non-Finnish European, 0.000085%; no homozygotes.

Submission:

Labcorp Genetics (formerly Invitae), Labcorp
Classification: Uncertain significance for Combined oxidative phosphorylation defect type 14. Last evaluated: 2025-04-08. Review status: criteria provided, single submitter. Criteria: Invitae Variant Classification Sherloc (09022015). Collection method: clinical testing. Allele origin: germline.
Comment: This sequence change replaces isoleucine, which is neutral and non-polar, with asparagine, which is neutral and polar, at codon 23 of the FARS2 protein (p.Ile23Asn). This variant is present in population databases (no rsID available, gnomAD 0.0009%). This variant has not been reported in the literature in individuals affected with FARS2-related conditions. ClinVar contains an entry for this variant (Variation ID: 842034). Invitae Evidence Modeling of protein sequence and biophysical properties (such as structural, functional, and spatial information, amino acid conservation, physicochemical variation, residue mobility, and thermodynamic stability) indicates that this missense variant is not expected to disrupt FARS2 protein function with a negative predictive value of 95%. In summary, the available evidence is currently insufficient to determine the role of this variant in disease. Therefore, it has been classified as a Variant of Uncertain Significance.